The following is an entry in ClinVar:

NM_005045.4(RELN):c.1015T>C (p.Tyr339His)

Gene: RELN (reelin; minus strand). Cytogenetic location: 7q22.1.
Variant type: single nucleotide variant.
Coding change: c.1015T>C on transcript NM_005045.4 (MANE Select); coding-DNA position 1015, T replaced by C.
Protein change: p.Tyr339His; replaces tyrosine 339 with histidine.
Molecular consequence: missense variant.
Genome position (GRCh38, 1-based): chr7:103,697,981, A>G on the plus strand (T>C on the coding strand, the complement: RELN is on the minus strand). VCF-style: chr7-103697981-A-G. GRCh37 (hg19) VCF-style: chr7-103338428-A-G.
Other names: c.1015T>C, p.Tyr339His (NM_173054.3); short protein forms Y339H.
Identifiers: ClinVar variation 1471450 (VCV001471450.8), dbSNP rs2115780671, ClinGen allele CA368927681.

ClinVar aggregate classification (germline): Uncertain significance (1 of 4 stars; one submission).

Conditions:
Norman-Roberts syndrome (LIS2). Also called: Lissencephaly 2 (Norman-Roberts type). Identifiers: Orphanet 89844, MedGen C0796089, MONDO:0009760, OMIM 257320.
Familial temporal lobe epilepsy 7. Identifiers: Orphanet 101046, MedGen C4225327, MONDO:0014639, OMIM 616436.

Submission:

Labcorp Genetics (formerly Invitae), Labcorp
Classification: Uncertain significance for Familial temporal lobe epilepsy 7; Norman-Roberts syndrome. Last evaluated: 2020-11-04. Review status: criteria provided, single submitter. Criteria: Invitae Variant Classification Sherloc (09022015). Collection method: clinical testing. Allele origin: germline.
Comment: In summary, the available evidence is currently insufficient to determine the role of this variant in disease. Therefore, it has been classified as a Variant of Uncertain Significance. Algorithms developed to predict the effect of missense changes on protein structure and function are either unavailable or do not agree on the potential impact of this missense change (SIFT: "Deleterious"; PolyPhen-2: "Probably Damaging"; Align-GVGD: "Class C0"). This variant has not been reported in the literature in individuals with RELN-related conditions. This variant is not present in population databases (ExAC no frequency). This sequence change replaces tyrosine with histidine at codon 339 of the RELN protein (p.Tyr339His). The tyrosine residue is highly conserved and there is a moderate physicochemical difference between tyrosine and histidine.